The following is an entry in ClinVar:

ClinVar aggregate classification (germline): Uncertain significance (1 of 4 stars; one submission).

Conditions:
Deficiency of aromatic-L-amino-acid decarboxylase. Also called: Aromatic L-Amino Acid Decarboxylase Deficiency; DDC DEFICIENCY; DOPA DECARBOXYLASE DEFICIENCY; Aromatic amino acid decarboxylase deficiency; AADC DEFICIENCY. Identifiers: Orphanet 35708, MedGen C1291564, MONDO:0012084, OMIM 608643.

Allele frequency attached by ClinVar (database versions not stated): gnomAD 0.00001; gnomAD exomes 0.00001.
gnomAD v4.1: 12 of 1,611,906 alleles (0.00074%); highest among the groups gnomAD compares: Non-Finnish European, 0.00093%; no homozygotes.

Submission:

Labcorp Genetics (formerly Invitae), Labcorp
Classification: Uncertain significance for Deficiency of aromatic-L-amino-acid decarboxylase. Last evaluated: 2021-11-23. Review status: criteria provided, single submitter. Criteria: Invitae Variant Classification Sherloc (09022015). Collection method: clinical testing. Allele origin: germline.
Comment: This variant has not been reported in the literature in individuals affected with DDC-related conditions. This variant is present in population databases (no rsID available, gnomAD 0.002%). This sequence change falls in intron 11 of the DDC gene. It does not directly change the encoded amino acid sequence of the DDC protein. It affects a nucleotide within the consensus splice site. In summary, the available evidence is currently insufficient to determine the role of this variant in disease. Therefore, it has been classified as a Variant of Uncertain Significance. Variants that disrupt the consensus splice site are a relatively common cause of aberrant splicing (PMID: 17576681, 9536098). Algorithms developed to predict the effect of sequence changes on RNA splicing suggest that this variant is not likely to affect RNA splicing.

Literature cited by the submitters: PubMed 17576681; PubMed 9536098.

NM_001082971.2(DDC):c.1041+6T>C

Gene: DDC (dopa decarboxylase; minus strand). Cytogenetic location: 7p12.2.
Variant type: single nucleotide variant.
Coding change: c.1041+6T>C on transcript NM_001082971.2 (MANE Select); 6 bases into the intron after coding-DNA position 1041, T replaced by C.
Molecular consequence: intron variant.
Genome position (GRCh38, 1-based): chr7:50,476,618, A>G on the plus strand (T>C on the coding strand, the complement: DDC is on the minus strand). VCF-style: chr7-50476618-A-G. GRCh37 (hg19) VCF-style: chr7-50544316-A-G.
Other names: c.807+6T>C (NM_001242888.2); c.927+6T>C (NM_001242886.2); c.762+6T>C (NM_001242889.2); c.897+6T>C (NM_001242887.2); c.1041+6T>C (NM_000790.4).
Identifiers: ClinVar variation 1418385 (VCV001418385.6), dbSNP rs1218896783, ClinGen allele CA574299543.